The following is an entry in ClinVar:

NM_001001331.4(ATP2B2):c.2111G>T (p.Gly704Val)

Gene: ATP2B2 (ATPase plasma membrane Ca2+ transporting 2; minus strand). Cytogenetic location: 3p25.3.
Variant type: single nucleotide variant.
Coding change: c.2111G>T on transcript NM_001001331.4 (MANE Select); coding-DNA position 2111, G replaced by T.
Protein change: p.Gly704Val; replaces glycine 704 with valine.
Molecular consequence: missense variant.
Genome position (GRCh38, 1-based): chr3:10,358,716, C>A on the plus strand (G>T on the coding strand, the complement: ATP2B2 is on the minus strand). VCF-style: chr3-10358716-C-A. GRCh37 (hg19) VCF-style: chr3-10400400-C-A.
Other names: c.1976G>T, p.Gly659Val (NM_001330611.3, NM_001353564.1, NM_001363862.1 and 1 more transcripts); short protein forms G659V, G704V.
Identifiers: ClinVar variation 1686745 (VCV001686745.2), dbSNP rs2060810244, ClinGen allele CA351780302.

ClinVar aggregate classification (germline): Uncertain significance (1 of 4 stars; one submission).

Submission:

GeneDx
Classification: Uncertain significance. Last evaluated: 2021-11-17. Review status: criteria provided, single submitter. Criteria: GeneDx Variant Classification Process June 2021. Collection method: clinical testing. Allele origin: germline. Affected: yes.
Comment: Has not been previously published as pathogenic or benign to our knowledge; Not observed at significant frequency in large population cohorts (gnomAD); In silico analysis supports that this missense variant has a deleterious effect on protein structure/function; In-silico analysis is inconclusive as to whether the variant alters gene splicing. In the absence of RNA/functional studies, the actual effect of this sequence change is unknown.